The following is an entry in ClinVar:

NM_000466.3(PEX1):c.894del (p.Ile297_Tyr298insTer)

Gene: PEX1 (peroxisomal biogenesis factor 1; minus strand). Cytogenetic location: 7q21.2.
Variant type: Deletion.
Coding change: c.894del on transcript NM_000466.3 (MANE Select); coding-DNA position 894, one base deleted (T; older notation c.894delT).
Protein change: p.Ile297_Tyr298insTer.
Molecular consequence: nonsense.
Genome position (GRCh38, 1-based): chr7:92,517,621, A deleted on the plus strand (T on the coding strand, the reverse complement: PEX1 is on the minus strand). VCF-style (leftmost placement, unchanged base first): chr7-92517620-TA-T. GRCh37 (hg19) VCF-style: chr7-92146934-TA-T.
Other names: c.894del, p.Ile297_Tyr298insTer (NM_001282677.2); c.270del, p.Ile89_Tyr90insTer (NM_001282678.2).
Identifiers: ClinVar variation 2829726 (VCV002829726.3), dbSNP rs2484702919, ClinGen allele CA2739265469.

ClinVar aggregate classification (germline): Pathogenic (1 of 4 stars; one submission).

Conditions:
Zellweger spectrum disorders (ZS). Also called: Zellweger syndrome; Zellweger Spectrum Disorder; Zellweger Spectrum; Zellweger Spectrum Disorder (ZSD). Identifiers: Orphanet 912, MedGen C0043459, MONDO:0019609.

Submission:

Labcorp Genetics (formerly Invitae), Labcorp
Classification: Pathogenic for Zellweger spectrum disorders. Last evaluated: 2023-01-17. Review status: criteria provided, single submitter. Criteria: Invitae Variant Classification Sherloc (09022015). Collection method: clinical testing. Allele origin: germline.
Comment: For these reasons, this variant has been classified as Pathogenic. This variant has not been reported in the literature in individuals affected with PEX1-related conditions. This variant is not present in population databases (gnomAD no frequency). This sequence change creates a premature translational stop signal (p.Tyr298*) in the PEX1 gene. It is expected to result in an absent or disrupted protein product. Loss-of-function variants in PEX1 are known to be pathogenic (PMID: 9398847, 16086329, 16141001, 21031596, 26387595, 31831025).

Literature cited by the submitters: PubMed 9398847; PubMed 16086329; PubMed 16141001; PubMed 21031596; PubMed 26387595; PubMed 31831025.